The following is an entry in ClinVar:

NM_001330078.2(NRXN1):c.492C>T (p.Ala164=)

Gene: NRXN1 (neurexin 1; minus strand). Cytogenetic location: 2p16.3.
Variant type: single nucleotide variant.
Coding change: c.492C>T on transcript NM_001330078.2 (MANE Select); coding-DNA position 492, C replaced by T.
Protein change: p.Ala164=; no amino-acid change (alanine 164 retained).
Molecular consequence: synonymous variant.
Genome position (GRCh38, 1-based): chr2:51,027,782, G>A on the plus strand (C>T on the coding strand, the complement: NRXN1 is on the minus strand). VCF-style: chr2-51027782-G-A. GRCh37 (hg19) VCF-style: chr2-51254920-G-A.
Other names: c.492C>T, p.Ala164= (NM_001135659.3, NM_001330077.2, NM_001330079.2 and 15 more transcripts); c.492C>T (NM_001135659.2).
Identifiers: ClinVar variation 336555 (VCV000336555.17), dbSNP rs201180707, ClinGen allele CA1655472.
Genomic context (GRCh38, chr2:51,027,782, plus strand): 5'-AATCCACCCCTTGAAGGGCTCCCGCTCCCTCACCGAGGCCAGGGTGAGCTTGAGCGCCGC[G>A]GCGCGCAGTTCCGGGGGCAGCCCCCCGACGAAAAGGCCGCTGAACACCGTCATGTCCCTG-3'
Protein context (NP_001317007.1, residues 154-174): FVGGLPPELR[Ala164=]AALKLTLASV

ClinVar aggregate classification (germline): Conflicting classifications of pathogenicity. Review status: criteria provided, conflicting classifications (1 of 4 stars). 3 submissions from 3 submitters: Uncertain significance (1); Likely benign (1). 1 of the submissions does not count toward it. Last evaluated 2025-09-03.

Conditions:
NRXN1-related disorder.
Pitt-Hopkins-like syndrome 2 (PTHSL2). Identifiers: Orphanet 221150, Orphanet 600663, MedGen C3280479, MONDO:0013690, OMIM 614325.

Allele frequency attached by ClinVar (database versions not stated): ExAC 0.00002; gnomAD 0.00004 and 0.00005; gnomAD exomes 0.00004 and 0.00005; TOPMed 0.00004; 1000 Genomes Project 30x 0.00016; 1000 Genomes Project 0.00020.
gnomAD v4.1: 82 of 1,612,744 alleles (0.0051%); highest among the groups gnomAD compares: South Asian, 0.024%; no homozygotes.

Submissions (3):

Labcorp Genetics (formerly Invitae), Labcorp
Classification: Likely benign for Pitt-Hopkins-like syndrome 2. Last evaluated: 2025-09-03. Review status: criteria provided, single submitter. Criteria: Invitae Variant Classification Sherloc (09022015). Collection method: clinical testing. Allele origin: germline.

Illumina Laboratory Services, Illumina
Classification: Uncertain significance for Pitt-Hopkins-like syndrome 2. Last evaluated: 2018-01-12. Review status: criteria provided, single submitter. Criteria: ICSL Variant Classification Criteria 13 December 2019. Collection method: clinical testing. Allele origin: germline.

PreventionGenetics, part of Exact Sciences
Classification: Likely benign for NRXN1-related condition. Last evaluated: 2019-02-24. Review status: no assertion criteria provided. Collection method: clinical testing. Allele origin: germline. Not counted in ClinVar's aggregate classification.
Comment: This variant is classified as likely benign based on ACMG/AMP sequence variant interpretation guidelines (Richards et al. 2015 PMID: 25741868, with internal and published modifications).